The following is an entry in ClinVar:

NM_000199.5(SGSH):c.221G>A (p.Arg74His)

Gene: SGSH (N-sulfoglucosamine sulfohydrolase; minus strand). Cytogenetic location: 17q25.3.
Variant type: single nucleotide variant.
Coding change: c.221G>A on transcript NM_000199.5 (MANE Select); coding-DNA position 221, G replaced by A.
Protein change: p.Arg74His; replaces arginine 74 with histidine.
Molecular consequence: missense variant. On other transcripts: non-coding transcript variant (1).
Genome position (GRCh38, 1-based): chr17:80,217,060, C>T on the plus strand (G>A on the coding strand, the complement: SGSH is on the minus strand). VCF-style: chr17-80217060-C-T. GRCh37 (hg19) VCF-style: chr17-78190859-C-T.
Other names: c.221G>A, p.Arg74His (NM_001352921.3, NM_001352922.2); short protein forms R74H.
Identifiers: ClinVar variation 550504 (VCV000550504.23), dbSNP rs778336949, ClinGen allele CA8818142.

ClinVar aggregate classification (germline): Pathogenic/Likely pathogenic. Review status: criteria provided, multiple submitters, no conflicts (2 of 4 stars). 10 submissions from 10 submitters: Pathogenic (5); Likely pathogenic (3). 2 of the submissions do not count toward it. Last evaluated 2026-01-21.

Conditions:
SGSH-related disorder. Also called: SGSH-related condition.
Mucopolysaccharidosis, MPS-III-A (MPS3A). Also called: Mucopolysaccharidosis type IIIA (Sanfilippo A); MPS IIIA (Sanfilippo Syndrome Type A); MUCOPOLYSACCHARIDOSIS, TYPE IIIA, ATTENUATED; MPS III A; Mucopolysaccharidosis, type IIIA; mucopolysaccharidosis type 3A. Identifiers: Orphanet 581, Orphanet 79269, MedGen C0086647, MONDO:0009655, OMIM 252900.

Allele frequency attached by ClinVar (database versions not stated): gnomAD exomes below 0.00001; TOPMed below 0.00001; gnomAD 0.00001; ExAC 0.00003.
gnomAD v4.1: 7 of 1,590,362 alleles (0.00044%); highest among the groups gnomAD compares: Admixed American, 0.0036%; no homozygotes.

Submissions (10):

Labcorp Genetics (formerly Invitae), Labcorp
Classification: Pathogenic for Mucopolysaccharidosis, MPS-III-A. Last evaluated: 2026-01-21. Review status: criteria provided, single submitter. Criteria: Invitae Variant Classification Sherloc (09022015). Collection method: clinical testing. Allele origin: germline.
Comment: This sequence change replaces arginine, which is basic and polar, with histidine, which is basic and polar, at codon 74 of the SGSH protein (p.Arg74His). The frequency data for this variant in the population databases is considered unreliable, as metrics indicate poor data quality at this position in the gnomAD database. This missense change has been observed in individual(s) with MPS IIIA (PMID: 9401012, 11343308; internal data). In at least one individual the data is consistent with being in trans (on the opposite chromosome) from a pathogenic variant. ClinVar contains an entry for this variant (Variation ID: 550504). Invitae Evidence Modeling of protein sequence and biophysical properties (such as structural, functional, and spatial information, amino acid conservation, physicochemical variation, residue mobility, and thermodynamic stability) indicates that this missense variant is expected to disrupt SGSH protein function with a positive predictive value of 95%. This variant disrupts the p.Arg74 amino acid residue in SGSH. Other variant(s) that disrupt this residue have been determined to be pathogenic (PMID: 9285796, 9401012, 11343308, 22976768, 28844463). This suggests that this residue is clinically significant, and that variants that disrupt this residue are likely to be disease-causing. For these reasons, this variant has been classified as Pathogenic.

Natera, Inc.
Classification: Pathogenic for Mucopolysaccharidosis type IIIA. Last evaluated: 2024-07-30. Review status: criteria provided, single submitter. Criteria: Natera Variant Classification Schema (03/2026). Collection method: clinical testing. Allele origin: germline.
Comment: The c.221G>A variant in SGSH is a missense variant predicted to cause substitution of arginine to histidine at amino acid 74. This variant is rare in the general population with a frequency below the threshold expected for the associated phenotype(s). This variant has been observed in one or more individuals affected with the associated recessive disease, as either homozygous or compound heterozygous with a second variant (PMID: 37772257, 15542396, 30809705). Additionally, this variant has been observed to segregate in affected family members (PMID: 37772257). Functional studies show that this variant may disrupt protein function (PMID: 15542396). A different variant at the same position has been determined to be Pathogenic or Likely Pathogenic. Computational prediction algorithms indicate this variant is likely to affect gene or protein function. Given the available evidence, this variant is classified as Pathogenic.

GeneDx
Classification: Pathogenic. Last evaluated: 2023-08-21. Review status: criteria provided, single submitter. Criteria: GeneDx Variant Classification Process June 2021. Collection method: clinical testing. Allele origin: germline. Affected: yes.
Comment: Published functional studies demonstrate that the variant results in significantly decreased enzyme activity (PMID: 15542396); Not observed at significant frequency in large population cohorts (gnomAD); In silico analysis supports that this missense variant has a deleterious effect on protein structure/function; This variant is associated with the following publications: (PMID: 24816101, 16174644, 9401012, 15542396)

Neuberg Centre For Genomic Medicine, NCGM
Classification: Likely pathogenic for Mucopolysaccharidosis, MPS-III-A. Last evaluated: 2023-07-22. Review status: criteria provided, single submitter. Criteria: ACMG Guidelines, 2015. Collection method: clinical testing. Allele origin: germline. Inheritance: Autosomal recessive inheritance. Affected: yes.
Comment: The observed missense c.221G>Ap.Arg74His variant in SGSH gene has been reported previously in homozygous or compound heterozygous state in individuals affected with Mucopolysaccharidoses MPS Zanetti et al., 2019. This variant is reported with the allele frequency of 0.0004% in the gnomAD Exomes. This variant has been reported to the ClinVar database as Pathogenic / Likely Pathogenic multiple submissions. The amino acid Arg at position 74 is changed to a His changing protein sequence and it might alter its composition and physico-chemical properties. The amino acid change p.Arg74His in SGSH is predicted as conserved by GERP++ and PhyloP across 100 vertebrates. Multiple lines of computational evidence Polyphen - Damaging, SIFT - Damaging, and MutationTaster - Disease causing predict a damaging effect on protein structure and function for this variant. Same amino acid change as a previously established pathogenic variant regardless of nucleotide change. For these reasons, this variant has been classified as Likely Pathogenic.

Genome-Nilou Lab
Classification: Likely pathogenic for Mucopolysaccharidosis, MPS-III-A. Last evaluated: 2021-11-07. Review status: criteria provided, single submitter. Criteria: ACMG Guidelines, 2015. Collection method: clinical testing. Allele origin: germline. Affected: no.

Women's Health and Genetics/Laboratory Corporation of America, LabCorp
Classification: Pathogenic for Mucopolysaccharidosis, MPS-III-A. Last evaluated: 2021-08-03. Review status: criteria provided, single submitter. Criteria: LabCorp Variant Classification Summary - May 2015. Collection method: clinical testing. Allele origin: germline.
Comment: Variant summary: SGSH c.221G>A (p.Arg74His) results in a non-conservative amino acid change located in the Sulfatase, N-terminal domain (IPR000917) of the encoded protein sequence. Five of five in-silico tools predict a damaging effect of the variant on protein function. The variant allele was found at a frequency of 4.7e-06 in 211504 control chromosomes (gnomAD and publication data). c.221G>A has been reported in the literature in multiple individuals affected with Mucopolysaccharidosis Type IIIA (Sanfilippo Syndrome A), including at least two homozygotes (Bunge_1997, Chabas_2001, Montfort_2004). These data indicate that the variant is very likely to be associated with disease. At least one functional study reports this variant results in reducing sulfamidase activity compared to WT activity (Montfort_2004). Three ClinVar submitters (evaluation after 2014) cite the variant as pathogenic (n=1) and likely pathogenic (n=2). Based on the evidence outlined above, the variant was classified as pathogenic.

Laboratory of Diagnosis and Therapy of Lysosomal Disorders, University of Padova
Classification: Likely pathogenic for Mucopolysaccharidosis, MPS-III-A. Last evaluated: 2019-01-01. Review status: criteria provided, single submitter. Criteria: ACMG Guidelines, 2015. Collection method: literature only. Allele origin: germline. Affected: yes.
Comment: PS3: Low in vitro enzymatic activity. PM2: Absent from GnomAD

Kariminejad - Najmabadi Pathology & Genetics Center
Classification: Pathogenic for Mucopolysaccharidosis, MPS-III-A. Review status: criteria provided, single submitter. Criteria: ACMG Guidelines, 2015. Collection method: clinical testing. Allele origin: germline. Affected: no.

PreventionGenetics, part of Exact Sciences
Classification: Pathogenic for SGSH-related condition. Last evaluated: 2024-07-17. Review status: no assertion criteria provided. Collection method: clinical testing. Allele origin: germline. Not counted in ClinVar's aggregate classification.
Comment: The SGSH c.221G>A variant is predicted to result in the amino acid substitution p.Arg74His. This variant, also referred to as R74H, has been reported in the homozygous state in several individuals with a diagnosis or clinical features suggestive of mucopolysaccharidosis type IIIA (MPS IIIA), also known as Sanfilippo syndrome A (Bunge et al. 1997. PubMed ID: 9401012; Chabás et al. 2001. PubMed ID: 11343308; Gul et al. 2023. PubMed ID: 37772257). It was also reported along with a second pathogenic SGSH variant in a patient with MPS IIIA (Chabás et al. 2001. PubMed ID: 11343308). A different missense change impacting the same amino acid (c.220C>T; p.Arg74Cys) has been reported in individuals with MPS IIIA (Weber et al. 1997. PubMed ID: 9285796; Yassaee et al. 2017. PubMed ID: 28844463). This amino acid residue is highly conserved and is a critical component to the protein's active site; changes to this amino acid result in decreased enzyme stability and disruption of ion binding (Sidhu et al. 2014. PubMed ID: 24816101). This variant is reported in 0.0037% of alleles in individuals of South Asian descent in gnomAD; however, the quality of this data is questionable and should be treated with caution. This variant is interpreted as pathogenic.

Counsyl
Classification: Likely pathogenic for Mucopolysaccharidosis, MPS-III-A. Last evaluated: 2017-01-30. Review status: no assertion criteria provided. Collection method: clinical testing. Allele origin: unknown. Not counted in ClinVar's aggregate classification.

Literature cited by the submitters: PubMed 9401012 (cited by 4 submitters); PubMed 11343308 (cited by 3 submitters); PubMed 9285796 (cited by Labcorp Genetics (formerly Invitae), Labcorp); PubMed 22976768 (cited by Labcorp Genetics (formerly Invitae), Labcorp); PubMed 28844463 (cited by Labcorp Genetics (formerly Invitae), Labcorp); PubMed 37772257 (cited by Natera, Inc.); PubMed 15542396 (cited by 4 submitters); PubMed 30809705 (cited by Natera, Inc. and Laboratory of Diagnosis and Therapy of Lysosomal Disorders, University of Padova); PubMed 9744479 (cited by Women's Health and Genetics/Laboratory Corporation of America, LabCorp); PubMed 24816101 (cited by Women's Health and Genetics/Laboratory Corporation of America, LabCorp); PubMed 25113300 (cited by Counsyl).